The following is an entry in ClinVar:

NM_183075.3(CYP2U1):c.396C>T (p.Asp132=)

Genes: CYP2U1 (cytochrome P450 family 2 subfamily U member 1; plus strand), CYP2U1-AS1 (CYP2U1 and SGMS2 antisense RNA 1; minus strand). Cytogenetic location: 4q25.
Variant type: single nucleotide variant.
Coding change: c.396C>T on transcript NM_183075.3 (MANE Select); coding-DNA position 396, C replaced by T.
Protein change: p.Asp132=; no amino-acid change (aspartic acid 132 retained).
Molecular consequence: synonymous variant. On other transcripts: non-coding transcript variant (1).
Genome position (GRCh38, 1-based): chr4:107,932,039, C>T. VCF-style: chr4-107932039-C-T. GRCh37 (hg19) VCF-style: chr4-108853195-C-T.
Other names: p.Asp132=.
Identifiers: ClinVar variation 696011 (VCV000696011.45), dbSNP rs368014569, ClinGen allele CA3036981.
Genomic context (GRCh38, chr4:107,932,039, plus strand): 5'-CGTGTACGGCAGCATCTTCAGCTTCTTTATCGGCCACTACCTGGTGGTGGTCCTCAGCGA[C>T]TTCCACAGCGTGCGCGAGGCGCTGGTGCAGCAGGCCGAGGTCTTCAGCGACCGCCCGCGG-3'
Protein context (NP_898898.1, residues 122-142): IGHYLVVVLS[Asp132=]FHSVREALVQ

ClinVar aggregate classification (germline): Likely benign. Review status: criteria provided, multiple submitters, no conflicts (2 of 4 stars). 4 submissions from 4 submitters: Likely benign (4). Last evaluated 2026-04-01.

Conditions:
Spastic paraplegia. Identifiers: MedGen C0037772, HP:0001258.

Allele frequency attached by ClinVar (database versions not stated): ESP Exome Variant Server 0.00023; gnomAD exomes 0.00024; ExAC 0.00027; TOPMed 0.00028; gnomAD 0.00031 and 0.00033.
gnomAD v4.1: 395 of 1,574,170 alleles (0.025%); highest among the groups gnomAD compares: Admixed American, 0.041%; no homozygotes.

Submissions (4):

CeGaT Center for Human Genetics Tuebingen
Classification: Likely benign. Last evaluated: 2026-04-01. Review status: criteria provided, single submitter. Criteria: CeGaT Center For Human Genetics Tuebingen Variant Classification Criteria Version 2. Collection method: clinical testing. Allele origin: germline. Affected: yes. Observed: 3 variant alleles.
Comment: CYP2U1: BP4

Labcorp Genetics (formerly Invitae), Labcorp
Classification: Likely benign for Spastic paraplegia. Last evaluated: 2026-01-08. Review status: criteria provided, single submitter. Criteria: Invitae Variant Classification Sherloc (09022015). Collection method: clinical testing. Allele origin: germline.

Mayo Clinic Laboratories, Mayo Clinic
Classification: Likely benign. Last evaluated: 2025-07-31. Review status: criteria provided, single submitter. Criteria: ACMG Guidelines, 2015. Collection method: clinical testing. Allele origin: germline. Observed: 2 variant alleles.

Blueprint Genetics
Classification: Likely benign. Last evaluated: 2024-09-25. Review status: criteria provided, single submitter. Criteria: ACMG Guidelines, 2015. Collection method: clinical testing. Allele origin: germline.